The following is an entry in ClinVar:

ClinVar aggregate classification (germline): Uncertain significance. Review status: criteria provided, multiple submitters, no conflicts (2 of 4 stars). 5 submissions from 5 submitters: Uncertain significance (5). Last evaluated 2024-12-13.

Conditions:
Cortical dysplasia-focal epilepsy syndrome (PTHSL1). Also called: Pitt-Hopkins-like syndrome 1. Identifiers: Orphanet 163681, Orphanet 221150, MedGen C2750246, MONDO:0012400, OMIM 610042.

Allele frequency attached by ClinVar (database versions not stated): ExAC 0.00002; gnomAD 0.00003; gnomAD exomes 0.00004 and 0.00019; TOPMed 0.00004; ESP Exome Variant Server 0.00008.

Submissions (5):

GeneDx
Classification: Uncertain significance. Last evaluated: 2024-12-13. Review status: criteria provided, single submitter. Criteria: GeneDx Variant Classification Process June 2021. Collection method: clinical testing. Allele origin: germline. Affected: yes.
Comment: Not observed at significant frequency in large population cohorts (gnomAD); In silico analysis indicates that this missense variant does not alter protein structure/function; Has not been previously published as pathogenic or benign to our knowledge

Labcorp Genetics (formerly Invitae), Labcorp
Classification: Uncertain significance for Cortical dysplasia-focal epilepsy syndrome. Last evaluated: 2022-10-24. Review status: criteria provided, single submitter. Criteria: Invitae Variant Classification Sherloc (09022015). Collection method: clinical testing. Allele origin: germline.
Comment: This sequence change replaces methionine, which is neutral and non-polar, with threonine, which is neutral and polar, at codon 1286 of the CNTNAP2 protein (p.Met1286Thr). This variant is present in population databases (rs150167891, gnomAD 0.008%). This variant has not been reported in the literature in individuals affected with CNTNAP2-related conditions. ClinVar contains an entry for this variant (Variation ID: 420686). Algorithms developed to predict the effect of missense changes on protein structure and function (SIFT, PolyPhen-2, Align-GVGD) all suggest that this variant is likely to be tolerated. In summary, the available evidence is currently insufficient to determine the role of this variant in disease. Therefore, it has been classified as a Variant of Uncertain Significance.

Genetic Services Laboratory, University of Chicago
Classification: Uncertain significance. Last evaluated: 2018-12-26. Review status: criteria provided, single submitter. Criteria: ACMG Guidelines, 2015. Collection method: clinical testing. Allele origin: germline. Affected: no.

Eurofins Ntd Llc (ga)
Classification: Uncertain significance. Last evaluated: 2018-08-30. Review status: criteria provided, single submitter. Criteria: EGL ClinVar v180209 classification definitions. Collection method: clinical testing. Allele origin: germline. Observed: 1 variant allele, 1 heterozygote.

Breakthrough Genomics
Classification: Uncertain significance. Review status: criteria provided, single submitter. Criteria: ACMG Guidelines, 2015. Collection method: not provided. Allele origin: germline. Inheritance: Autosomal recessive inheritance. Affected: yes.

NM_014141.6(CNTNAP2):c.3857T>C (p.Met1286Thr)

Gene: CNTNAP2 (contactin associated protein 2; plus strand). Cytogenetic location: 7q36.1.
Variant type: single nucleotide variant.
Coding change: c.3857T>C on transcript NM_014141.6 (MANE Select); coding-DNA position 3857, T replaced by C.
Protein change: p.Met1286Thr; replaces methionine 1286 with threonine.
Molecular consequence: missense variant.
Genome position (GRCh38, 1-based): chr7:148,415,477, T>C. VCF-style: chr7-148415477-T-C. GRCh37 (hg19) VCF-style: chr7-148112569-T-C.
Other names: short protein forms M1286T.
Identifiers: ClinVar variation 420686 (VCV000420686.19), dbSNP rs150167891, ClinGen allele CA4546825.
Genomic context (GRCh38, chr7:148,415,477, plus strand): 5'-GCGTCATTGCTGTGGTGATTTTCACCATCCTGTGCACCCTGGTCTTCCTGATCCGGTACA[T>C]GTTCCGCCACAAGGGCACCTACCATACCAACGAAGCAAAGGGGGCGGAGTCGGCAGAGAG-3'
Protein context (NP_054860.1, residues 1276-1296): LCTLVFLIRY[Met1286Thr]FRHKGTYHTN